The following is an entry in ClinVar:

ClinVar aggregate classification (germline): Uncertain significance (1 of 4 stars; one submission).

gnomAD v4.1: 1 of 1,610,768 alleles (0.000062%); highest among the groups gnomAD compares: Non-Finnish European, 0.000085%; no homozygotes.

Submission:

Labcorp Genetics (formerly Invitae), Labcorp
Classification: Uncertain significance. Last evaluated: 2022-08-23. Review status: criteria provided, single submitter. Criteria: Invitae Variant Classification Sherloc (09022015). Collection method: clinical testing. Allele origin: germline.
Comment: This sequence change replaces tyrosine, which is neutral and polar, with cysteine, which is neutral and slightly polar, at codon 513 of the EYS protein (p.Tyr513Cys). This variant is not present in population databases (gnomAD no frequency). This variant has not been reported in the literature in individuals affected with EYS-related conditions. Algorithms developed to predict the effect of missense changes on protein structure and function output the following: SIFT: "Tolerated"; PolyPhen-2: "Benign"; Align-GVGD: "Class C0". The cysteine amino acid residue is found in multiple mammalian species, which suggests that this missense change does not adversely affect protein function. In summary, the available evidence is currently insufficient to determine the role of this variant in disease. Therefore, it has been classified as a Variant of Uncertain Significance.

NM_001142800.2(EYS):c.1538A>G (p.Tyr513Cys)

Gene: EYS (eyes shut homolog; minus strand). Cytogenetic location: 6q12.
Variant type: single nucleotide variant.
Coding change: c.1538A>G on transcript NM_001142800.2 (MANE Select); coding-DNA position 1538, A replaced by G.
Protein change: p.Tyr513Cys; replaces tyrosine 513 with cysteine.
Molecular consequence: missense variant.
Genome position (GRCh38, 1-based): chr6:65,344,099, T>C on the plus strand (A>G on the coding strand, the complement: EYS is on the minus strand). VCF-style: chr6-65344099-T-C. GRCh37 (hg19) VCF-style: chr6-66053992-T-C.
Other names: c.1538A>G, p.Tyr513Cys (NM_198283.2, NM_001142801.2, NM_001292009.2); short protein forms Y513C.
Identifiers: ClinVar variation 1905364 (VCV001905364.2), dbSNP rs202032818, ClinGen allele CA364661421.